The following is an entry in ClinVar:

ClinVar aggregate classification (germline): Uncertain significance. Review status: criteria provided, multiple submitters, no conflicts (2 of 4 stars). 2 submissions from 2 submitters: Uncertain significance (2). Last evaluated 2025-02-15.

Conditions:
Neutropenia, severe congenital, 2, autosomal dominant. Identifiers: Orphanet 486, MedGen C2751288, MONDO:0013139, OMIM 613107.

Submissions (2):

Ambry Genetics
Classification: Uncertain significance. Last evaluated: 2025-02-15. Review status: criteria provided, single submitter. Criteria: Ambry Variant Classification Scheme 2023. Collection method: clinical testing. Allele origin: germline.
Comment: The p.P339S variant (also known as c.1015C>T), located in coding exon 5 of the GFI1 gene, results from a C to T substitution at nucleotide position 1015. The proline at codon 339 is replaced by serine, an amino acid with similar properties. This amino acid position is conserved. In addition, this alteration is predicted to be tolerated by in silico analysis. Based on the available evidence, the clinical significance of this variant remains unclear.

Labcorp Genetics (formerly Invitae), Labcorp
Classification: Uncertain significance for Neutropenia, severe congenital, 2, autosomal dominant. Last evaluated: 2023-10-27. Review status: criteria provided, single submitter. Criteria: Invitae Variant Classification Sherloc (09022015). Collection method: clinical testing. Allele origin: germline.
Comment: This sequence change replaces proline, which is neutral and non-polar, with serine, which is neutral and polar, at codon 339 of the GFI1 protein (p.Pro339Ser). This variant is not present in population databases (gnomAD no frequency). This variant has not been reported in the literature in individuals affected with GFI1-related conditions. Advanced modeling of protein sequence and biophysical properties (such as structural, functional, and spatial information, amino acid conservation, physicochemical variation, residue mobility, and thermodynamic stability) performed at Invitae indicates that this missense variant is expected to disrupt GFI1 protein function with a positive predictive value of 80%. In summary, the available evidence is currently insufficient to determine the role of this variant in disease. Therefore, it has been classified as a Variant of Uncertain Significance.

NM_005263.5(GFI1):c.1015C>T (p.Pro339Ser)

Gene: GFI1 (growth factor independent 1 transcriptional repressor; minus strand). Cytogenetic location: 1p22.1.
Variant type: single nucleotide variant.
Coding change: c.1015C>T on transcript NM_005263.5 (MANE Select); coding-DNA position 1015, C replaced by T.
Protein change: p.Pro339Ser; replaces proline 339 with serine.
Molecular consequence: missense variant.
Genome position (GRCh38, 1-based): chr1:92,478,663, G>A on the plus strand (C>T on the coding strand, the complement: GFI1 is on the minus strand). VCF-style: chr1-92478663-G-A. GRCh37 (hg19) VCF-style: chr1-92944220-G-A.
Other names: c.1015C>T, p.Pro339Ser (NM_001127215.3, NM_001127216.3); short protein forms P339S.
Identifiers: ClinVar variation 2772118 (VCV002772118.4), dbSNP rs2524714732, ClinGen allele CA341148184.